The following is an entry in ClinVar:

ClinVar aggregate classification (germline): Benign/Likely benign. Review status: criteria provided, multiple submitters, no conflicts (2 of 4 stars). 4 submissions from 4 submitters: Benign (1); Likely benign (3). Last evaluated 2025-11-05.

Conditions:
Hereditary cancer-predisposing syndrome. Also called: Neoplastic Syndromes, Hereditary; Hereditary Cancer Syndrome; Tumor predisposition; Hereditary neoplastic syndrome. Identifiers: Orphanet 140162, MedGen C0027672, MeSH D009386, MONDO:0015356.
Familial cancer of breast. Also called: Hereditary breast cancer; BREAST CANCER, FAMILIAL; hereditary breast carcinoma. Identifiers: Orphanet 227535, MedGen C0346153, MONDO:0016419, OMIM 114480. Disease mechanism: loss of function.
Ataxia-telangiectasia syndrome (AT). Also called: LOUIS-BAR SYNDROME; Cerebello-oculocutaneous telangiectasia; Immunodeficiency with ataxia telangiectasia; Ataxia-telangiectasia, complementation group D; AT, COMPLEMENTATION GROUP C; Ataxia-telangiectasia, complementation group E. Identifiers: Orphanet 100, MedGen C0004135, MONDO:0008840, OMIM 208900.

Allele frequency attached by ClinVar (database versions not stated): gnomAD exomes below 0.00001; ExAC 0.00001.
gnomAD v4.1: 2 of 1,612,798 alleles (0.00012%); highest among the groups gnomAD compares: Non-Finnish European, 0.00017%; no homozygotes.

Submissions (4):

Labcorp Genetics (formerly Invitae), Labcorp
Classification: Likely benign for Ataxia-telangiectasia syndrome. Last evaluated: 2025-11-05. Review status: criteria provided, single submitter. Criteria: Invitae Variant Classification Sherloc (09022015). Collection method: clinical testing. Allele origin: germline.

Myriad Genetics, Inc.
Classification: Benign for Familial cancer of breast. Last evaluated: 2024-06-06. Review status: criteria provided, single submitter. Criteria: Myriad Autosomal Dominant, Autosomal Recessive and X-Linked Classification Criteria (2023). Collection method: clinical testing. Allele origin: unknown.
Comment: This variant is considered benign. This variant is a silent/synonymous amino acid change and it is not expected to impact splicing.

Ambry Genetics
Classification: Likely benign for Hereditary cancer-predisposing syndrome. Last evaluated: 2018-03-28. Review status: criteria provided, single submitter. Criteria: Ambry Variant Classification Scheme 2023. Collection method: clinical testing. Allele origin: germline.

Color Diagnostics, LLC DBA Color Health
Classification: Likely benign for Hereditary cancer-predisposing syndrome. Last evaluated: 2015-10-30. Review status: criteria provided, single submitter. Criteria: ACMG Guidelines, 2015. Collection method: clinical testing. Allele origin: germline.

NM_000051.4(ATM):c.6399A>G (p.Gln2133=)

Genes: C11orf65 (chromosome 11 open reading frame 65; minus strand), ATM (ATM serine/threonine kinase; plus strand). Cytogenetic location: 11q22.3.
Variant type: single nucleotide variant.
Coding change: c.6399A>G on transcript NM_000051.4 (MANE Select); coding-DNA position 6399, A replaced by G.
Protein change: p.Gln2133=; no amino-acid change (glutamine 2133 retained).
Molecular consequence: synonymous variant. On other transcripts: intron variant (2).
Genome position (GRCh38, 1-based): chr11:108,320,005, A>G. VCF-style: chr11-108320005-A-G. GRCh37 (hg19) VCF-style: chr11-108190732-A-G.
Other names: c.6399A>G, p.Gln2133= (NM_001351834.2); c.641-10934T>C (NM_001330368.2); c.*39-10934T>C (NM_001351110.2).
Identifiers: ClinVar variation 490651 (VCV000490651.16), dbSNP rs750614487, ClinGen allele CA6265929.